The following is an entry in ClinVar:

NM_152490.5(B3GALNT2):c.500A>G (p.Asn167Ser)

Gene: B3GALNT2 (beta-1,3-N-acetylgalactosaminyltransferase 2; minus strand). Cytogenetic location: 1q42.3.
Variant type: single nucleotide variant.
Coding change: c.500A>G on transcript NM_152490.5 (MANE Select); coding-DNA position 500, A replaced by G.
Protein change: p.Asn167Ser; replaces asparagine 167 with serine.
Molecular consequence: missense variant.
Genome position (GRCh38, 1-based): chr1:235,484,377, T>C on the plus strand (A>G on the coding strand, the complement: B3GALNT2 is on the minus strand). VCF-style: chr1-235484377-T-C. GRCh37 (hg19) VCF-style: chr1-235647693-T-C.
Other names: c.623A>G, p.Asn208Ser (NM_001277155.3); short protein forms N208S, N167S.
Identifiers: ClinVar variation 662032 (VCV000662032.6), dbSNP rs144123418, ClinGen allele CA1464893.

ClinVar aggregate classification (germline): Uncertain significance. Review status: criteria provided, multiple submitters, no conflicts (2 of 4 stars). 2 submissions from 2 submitters: Uncertain significance (2). Last evaluated 2025-01-13.

Conditions:
Muscular dystrophy-dystroglycanopathy (congenital with brain and eye anomalies), type a, 11 (MDDGA11). Also called: WALKER-WARBURG SYNDROME OR MUSCLE-EYE-BRAIN DISEASE, B3GALNT2-RELATED; Congenital muscular dystrophy-dystroglycanopathy with brain and eye anomalies, type A11; Muscular dystrophy-dystroglycanopathy (congenital with brain and eye anomalies, type A, 11. Identifiers: Orphanet 588, Orphanet 899, MedGen C3554638, MONDO:0014071, OMIM 615181.

Allele frequency attached by ClinVar (database versions not stated): gnomAD exomes 0.00002 and 0.00005; TOPMed 0.00003; gnomAD 0.00004; ExAC 0.00007; ESP Exome Variant Server 0.00015.
gnomAD v4.1: 40 of 1,614,140 alleles (0.0025%); highest among the groups gnomAD compares: South Asian, 0.0088%; no homozygotes.

Submissions (2):

Labcorp Genetics (formerly Invitae), Labcorp
Classification: Uncertain significance for Muscular dystrophy-dystroglycanopathy (congenital with brain and eye anomalies), type a, 11. Last evaluated: 2025-01-13. Review status: criteria provided, single submitter. Criteria: Invitae Variant Classification Sherloc (09022015). Collection method: clinical testing. Allele origin: germline.
Comment: This sequence change replaces asparagine, which is neutral and polar, with serine, which is neutral and polar, at codon 167 of the B3GALNT2 protein (p.Asn167Ser). This variant is present in population databases (rs144123418, gnomAD 0.01%). This variant has not been reported in the literature in individuals affected with B3GALNT2-related conditions. ClinVar contains an entry for this variant (Variation ID: 662032). Invitae Evidence Modeling of protein sequence and biophysical properties (such as structural, functional, and spatial information, amino acid conservation, physicochemical variation, residue mobility, and thermodynamic stability) indicates that this missense variant is not expected to disrupt B3GALNT2 protein function with a negative predictive value of 80%. In summary, the available evidence is currently insufficient to determine the role of this variant in disease. Therefore, it has been classified as a Variant of Uncertain Significance.

Revvity Omics, Revvity
Classification: Uncertain significance for Muscular dystrophy-dystroglycanopathy (congenital with brain and eye anomalies), type a, 11. Last evaluated: 2019-05-13. Review status: criteria provided, single submitter. Criteria: ACMG Guidelines, 2015. Collection method: clinical testing. Allele origin: germline.